The following is an entry in ClinVar:

ClinVar aggregate classification (germline): Uncertain significance (1 of 4 stars; one submission).

Submission:

Ambry Genetics
Classification: Uncertain significance. Last evaluated: 2024-04-07. Review status: criteria provided, single submitter. Criteria: Ambry Variant Classification Scheme 2023. Collection method: clinical testing. Allele origin: germline.
Comment: The p.C1307S variant (also known as c.3920G>C), located in coding exon 30 of the A2ML1 gene, results from a G to C substitution at nucleotide position 3920. The cysteine at codon 1307 is replaced by serine, an amino acid with dissimilar properties. This amino acid position is conserved. In addition, the in silico prediction for this alteration is inconclusive. Based on the available evidence, the clinical significance of this variant remains unclear.

NM_144670.6(A2ML1):c.3920G>C (p.Cys1307Ser)

Gene: A2ML1 (alpha-2-macroglobulin like 1; plus strand). Cytogenetic location: 12p13.31.
Variant type: single nucleotide variant.
Coding change: c.3920G>C on transcript NM_144670.6 (MANE Select); coding-DNA position 3920, G replaced by C.
Protein change: p.Cys1307Ser; replaces cysteine 1307 with serine.
Molecular consequence: missense variant.
Genome position (GRCh38, 1-based): chr12:8,868,044, G>C. VCF-style: chr12-8868044-G-C. GRCh37 (hg19) VCF-style: chr12-9020640-G-C.
Other names: c.2447G>C, p.Cys816Ser (NM_001282424.3); short protein forms C816S, C1307S.
Identifiers: ClinVar variation 3281553 (VCV003281553.1).